The following is an entry in ClinVar:

ClinVar aggregate classification (germline): Uncertain significance (1 of 4 stars; one submission).

Submission:

Labcorp Genetics (formerly Invitae), Labcorp
Classification: Uncertain significance. Last evaluated: 2020-03-11. Review status: criteria provided, single submitter. Criteria: Invitae Variant Classification Sherloc (09022015). Collection method: clinical testing. Allele origin: germline.
Comment: This variant is not present in population databases (ExAC no frequency). This variant has not been reported in the literature in individuals with CDH23-related conditions. This sequence change replaces threonine with serine at codon 2983 of the CDH23 protein (p.Thr2983Ser). The threonine residue is highly conserved and there is a small physicochemical difference between threonine and serine. Algorithms developed to predict the effect of missense changes on protein structure and function are either unavailable or do not agree on the potential impact of this missense change (SIFT: "Deleterious"; PolyPhen-2: Not Available; Align-GVGD: "Class C0"). In summary, the available evidence is currently insufficient to determine the role of this variant in disease. Therefore, it has been classified as a Variant of Uncertain Significance. Algorithms developed to predict the effect of sequence changes on RNA splicing suggest that this variant may create or strengthen a splice site, but this prediction has not been confirmed by published transcriptional studies.

NM_022124.6(CDH23):c.8948C>G (p.Thr2983Ser)

Gene: CDH23 (cadherin related 23; plus strand). Cytogenetic location: 10q22.1.
Variant type: single nucleotide variant.
Coding change: c.8948C>G on transcript NM_022124.6 (MANE Select); coding-DNA position 8948, C replaced by G.
Protein change: p.Thr2983Ser; replaces threonine 2983 with serine.
Molecular consequence: missense variant.
Genome position (GRCh38, 1-based): chr10:71,810,045, C>G. VCF-style: chr10-71810045-C-G. GRCh37 (hg19) VCF-style: chr10-73569802-C-G.
Other names: c.2228C>G, p.Thr743Ser (NM_001171933.1, NM_001171934.1); short protein forms T2983S, T743S.
Identifiers: ClinVar variation 998777 (VCV000998777.8), dbSNP rs769652690, ClinGen allele CA377133872.